The following is an entry in ClinVar:

ClinVar aggregate classification (germline): Conflicting classifications of pathogenicity. Review status: criteria provided, conflicting classifications (1 of 4 stars). 3 submissions from 3 submitters: Uncertain significance (2); Likely benign (1). Last evaluated 2025-01-06.

Conditions:
Inborn genetic diseases. Identifiers: MedGen C0950123, MeSH D030342.

Allele frequency attached by ClinVar (database versions not stated): gnomAD exomes 0.00003 and 0.00006; ExAC 0.00008; ESP Exome Variant Server 0.00008; 1000 Genomes Project 30x 0.00016; 1000 Genomes Project 0.00020; gnomAD 0.00021; TOPMed 0.00028.
gnomAD v4.1: 83 of 1,614,230 alleles (0.0051%); highest among the groups gnomAD compares: African/African-American, 0.068%; no homozygotes.

Submissions (3):

Labcorp Genetics (formerly Invitae), Labcorp
Classification: Uncertain significance. Last evaluated: 2025-01-06. Review status: criteria provided, single submitter. Criteria: Invitae Variant Classification Sherloc (09022015). Collection method: clinical testing. Allele origin: germline.
Comment: This sequence change replaces isoleucine, which is neutral and non-polar, with threonine, which is neutral and polar, at codon 29 of the RTTN protein (p.Ile29Thr). This variant is present in population databases (rs201689582, gnomAD 0.08%). This variant has not been reported in the literature in individuals affected with RTTN-related conditions. ClinVar contains an entry for this variant (Variation ID: 1178208). Invitae Evidence Modeling of protein sequence and biophysical properties (such as structural, functional, and spatial information, amino acid conservation, physicochemical variation, residue mobility, and thermodynamic stability) indicates that this missense variant is not expected to disrupt RTTN protein function with a negative predictive value of 80%. In summary, the available evidence is currently insufficient to determine the role of this variant in disease. Therefore, it has been classified as a Variant of Uncertain Significance.

Ambry Genetics
Classification: Uncertain significance for Inborn genetic diseases. Last evaluated: 2024-07-22. Review status: criteria provided, single submitter. Criteria: Ambry Variant Classification Scheme 2023. Collection method: clinical testing. Allele origin: germline.

GeneDx
Classification: Likely benign. Last evaluated: 2023-04-01. Review status: criteria provided, single submitter. Criteria: GeneDx Variant Classification Process June 2021. Collection method: clinical testing. Allele origin: germline. Affected: yes.
Comment: See Variant Classification Assertion Criteria.

NM_173630.4(RTTN):c.86T>C (p.Ile29Thr)

Gene: RTTN (rotatin; minus strand). Cytogenetic location: 18q22.2.
Variant type: single nucleotide variant.
Coding change: c.86T>C on transcript NM_173630.4 (MANE Select); coding-DNA position 86, T replaced by C.
Protein change: p.Ile29Thr; replaces isoleucine 29 with threonine.
Molecular consequence: missense variant. On other transcripts: 5 prime UTR variant (1).
Genome position (GRCh38, 1-based): chr18:70,205,261, A>G on the plus strand (T>C on the coding strand, the complement: RTTN is on the minus strand). VCF-style: chr18-70205261-A-G. GRCh37 (hg19) VCF-style: chr18-67872497-A-G.
Other names: c.-2468T>C (NM_001318520.2); short protein forms I29T.
Identifiers: ClinVar variation 1178208 (VCV001178208.9), dbSNP rs201689582, ClinGen allele CA8996587.